The following is an entry in ClinVar:

NM_004863.4(SPTLC2):c.1541C>T (p.Ala514Val)

Gene: SPTLC2 (serine palmitoyltransferase long chain base subunit 2; minus strand). Cytogenetic location: 14q24.3.
Variant type: single nucleotide variant.
Coding change: c.1541C>T on transcript NM_004863.4 (MANE Select); coding-DNA position 1541, C replaced by T.
Protein change: p.Ala514Val; replaces alanine 514 with valine.
Molecular consequence: missense variant.
Genome position (GRCh38, 1-based): chr14:77,518,066, G>A on the plus strand (C>T on the coding strand, the complement: SPTLC2 is on the minus strand). VCF-style: chr14-77518066-G-A. GRCh37 (hg19) VCF-style: chr14-77984409-G-A.
Other names: short protein forms A514V.
Identifiers: ClinVar variation 2080817 (VCV002080817.4), dbSNP rs2503443224, ClinGen allele CA390699821.

ClinVar aggregate classification (germline): Uncertain significance (1 of 4 stars; one submission).

Conditions:
Neuropathy, hereditary sensory and autonomic, type 1C. Also called: HSAN IC; HSN IC. Identifiers: Orphanet 36386, MedGen C3150896, MONDO:0013337, OMIM 613640.

Submission:

Labcorp Genetics (formerly Invitae), Labcorp
Classification: Uncertain significance for Neuropathy, hereditary sensory and autonomic, type 1C. Last evaluated: 2024-08-18. Review status: criteria provided, single submitter. Criteria: Invitae Variant Classification Sherloc (09022015). Collection method: clinical testing. Allele origin: germline.
Comment: This sequence change replaces alanine, which is neutral and non-polar, with valine, which is neutral and non-polar, at codon 514 of the SPTLC2 protein (p.Ala514Val). This variant is not present in population databases (gnomAD no frequency). This variant has not been reported in the literature in individuals affected with SPTLC2-related conditions. ClinVar contains an entry for this variant (Variation ID: 2080817). Invitae Evidence Modeling of protein sequence and biophysical properties (such as structural, functional, and spatial information, amino acid conservation, physicochemical variation, residue mobility, and thermodynamic stability) indicates that this missense variant is not expected to disrupt SPTLC2 protein function with a negative predictive value of 80%. In summary, the available evidence is currently insufficient to determine the role of this variant in disease. Therefore, it has been classified as a Variant of Uncertain Significance.